The following is an entry in ClinVar:

ClinVar aggregate classification (germline): Uncertain significance (1 of 4 stars; one submission).

Submission:

GeneDx
Classification: Uncertain significance. Last evaluated: 2023-11-19. Review status: criteria provided, single submitter. Criteria: GeneDx Variant Classification Process June 2021. Collection method: clinical testing. Allele origin: germline. Affected: yes.
Comment: Not observed at significant frequency in large population cohorts (gnomAD); In silico analysis supports that this missense variant has a deleterious effect on protein structure/function; Has not been previously published as pathogenic or benign to our knowledge

NM_001130438.3(SPTAN1):c.158C>G (p.Ala53Gly)

Gene: SPTAN1 (spectrin alpha, non-erythrocytic 1; plus strand). Cytogenetic location: 9q34.11.
Variant type: single nucleotide variant.
Coding change: c.158C>G on transcript NM_001130438.3 (MANE Select); coding-DNA position 158, C replaced by G.
Protein change: p.Ala53Gly; replaces alanine 53 with glycine.
Molecular consequence: missense variant.
Genome position (GRCh38, 1-based): chr9:128,566,898, C>G. VCF-style: chr9-128566898-C-G. GRCh37 (hg19) VCF-style: chr9-131329177-C-G.
Other names: c.158C>G, p.Ala53Gly (NM_001195532.2, NM_001363759.2, NM_001363765.2 and 5 more transcripts); c.194C>G, p.Ala65Gly (NM_001375312.2, NM_001375318.1); short protein forms A53G, A65G.
Identifiers: ClinVar variation 3364699 (VCV003364699.1).